The following is an entry in ClinVar:

ClinVar aggregate classification (germline): Uncertain significance (1 of 4 stars; one submission).

Conditions:
Inborn genetic diseases. Identifiers: MedGen C0950123, MeSH D030342.

Allele frequency attached by ClinVar (database versions not stated): gnomAD exomes below 0.00001; ExAC 0.00001.
gnomAD v4.1: 1 of 1,608,184 alleles (0.000062%); highest among the groups gnomAD compares: Admixed American, 0.0017%; no homozygotes.

Submission:

Ambry Genetics
Classification: Uncertain significance for Inborn genetic diseases. Last evaluated: 2022-10-02. Review status: criteria provided, single submitter. Criteria: Ambry Variant Classification Scheme 2023. Collection method: clinical testing. Allele origin: germline.
Comment: The p.N372S variant (also known as c.1115A>G), located in coding exon 4 of the SMAD6 gene, results from an A to G substitution at nucleotide position 1115. The asparagine at codon 372 is replaced by serine, an amino acid with highly similar properties. This amino acid position is conserved. In addition, this alteration is predicted to be tolerated by in silico analysis. Since supporting evidence is limited at this time, the clinical significance of this alteration remains unclear.

NM_005585.5(SMAD6):c.1115A>G (p.Asn372Ser)

Gene: SMAD6 (SMAD family member 6; plus strand). Cytogenetic location: 15q22.31.
Variant type: single nucleotide variant.
Coding change: c.1115A>G on transcript NM_005585.5 (MANE Select); coding-DNA position 1115, A replaced by G.
Protein change: p.Asn372Ser; replaces asparagine 372 with serine.
Molecular consequence: missense variant. On other transcripts: non-coding transcript variant (1).
Genome position (GRCh38, 1-based): chr15:66,781,159, A>G. VCF-style: chr15-66781159-A-G. GRCh37 (hg19) VCF-style: chr15-67073497-A-G.
Other names: short protein forms N372S.
Identifiers: ClinVar variation 1796121 (VCV001796121.2), dbSNP rs758702806, ClinGen allele CA7626731.
Genomic context (GRCh38, chr15:66,781,159, plus strand): 5'-AGGCCGTCAGCATCTTCTACGACCTACCTCAGGGCAGCGGCTTCTGCCTGGGCCAGCTCA[A>G]CCTGGAGCAGCGCAGCGAGTCGGTGCGGCGAACGCGCAGCAAGATCGGCTTCGGCATCCT-3'
Protein context (NP_005576.3, residues 362-382): QGSGFCLGQL[Asn372Ser]LEQRSESVRR